The following is an entry in ClinVar:

ClinVar aggregate classification (germline): Uncertain significance (1 of 4 stars; one submission).

Conditions:
Sulfite oxidase deficiency due to molybdenum cofactor deficiency type C. Also called: Molybdenum cofactor deficiency, complementation group C; Molybdenum cofactor deficiency C. Identifiers: Orphanet 308400, Orphanet 833, MedGen C1854990, MONDO:0014212, OMIM 615501.

Submission:

Labcorp Genetics (formerly Invitae), Labcorp
Classification: Uncertain significance for Sulfite oxidase deficiency due to molybdenum cofactor deficiency type C. Last evaluated: 2025-06-12. Review status: criteria provided, single submitter. Criteria: Invitae Variant Classification Sherloc (09022015). Collection method: clinical testing. Allele origin: germline.
Comment: This sequence change replaces proline, which is neutral and non-polar, with leucine, which is neutral and non-polar, at codon 492 of the GPHN protein (p.Pro492Leu). This variant is not present in population databases (gnomAD no frequency). This variant has not been reported in the literature in individuals affected with GPHN-related conditions. An algorithm developed to predict the effect of missense changes on protein structure and function (PolyPhen-2) suggests that this variant is likely to be disruptive. In summary, the available evidence is currently insufficient to determine the role of this variant in disease. Therefore, it has been classified as a Variant of Uncertain Significance.

NM_020806.5(GPHN):c.1475C>T (p.Pro492Leu)

Gene: GPHN (gephyrin; plus strand). Cytogenetic location: 14q23.3.
Variant type: single nucleotide variant.
Coding change: c.1475C>T on transcript NM_020806.5 (MANE Select); coding-DNA position 1475, C replaced by T.
Protein change: p.Pro492Leu; replaces proline 492 with leucine.
Molecular consequence: missense variant.
Genome position (GRCh38, 1-based): chr14:67,113,020, C>T. VCF-style: chr14-67113020-C-T. GRCh37 (hg19) VCF-style: chr14-67579737-C-T.
Other names: c.1376C>T, p.Pro459Leu (NM_001024218.2); c.1535C>T, p.Pro512Leu (NM_001377514.1); c.1505C>T, p.Pro502Leu (NM_001377515.1); c.1496C>T, p.Pro499Leu (NM_001377516.1); c.1448C>T, p.Pro483Leu (NM_001377517.1); c.1433C>T, p.Pro478Leu (NM_001377518.1); c.1415C>T, p.Pro472Leu (NM_001377519.1); short protein forms P478L, P483L, P512L, P459L, P472L, P492L, P499L, P502L.
Identifiers: ClinVar variation 4711836 (VCV004711836.1).